The following is an entry in ClinVar:

NM_000075.4(CDK4):c.900T>G (p.Gly300=)

Genes: TSPAN31 (tetraspanin 31; plus strand), CDK4 (cyclin dependent kinase 4; minus strand). Cytogenetic location: 12q14.1.
Variant type: single nucleotide variant.
Coding change: c.900T>G on transcript NM_000075.4 (MANE Select); coding-DNA position 900, T replaced by G.
Protein change: p.Gly300=; no amino-acid change (glycine 300 retained).
Molecular consequence: synonymous variant. On other transcripts: 3 prime UTR variant (3).
Genome position (GRCh38, 1-based): chr12:57,748,537, A>C on the plus strand (T>G on the coding strand, the complement: CDK4 is on the minus strand). VCF-style: chr12-57748537-A-C. GRCh37 (hg19) VCF-style: chr12-58142320-A-C.
Other names: c.*1247A>C (NM_001330168.2, NM_001330169.2, NM_005981.5).
Identifiers: ClinVar variation 3378809 (VCV003378809.1).

ClinVar aggregate classification (germline): Benign (1 of 4 stars; one submission).

Conditions:
Melanoma, cutaneous malignant, susceptibility to, 3. Also called: Cutaneous malignant melanoma 3. Identifiers: Orphanet 618, MedGen C1836892, MONDO:0012183, OMIM 609048.

Submission:

Myriad Genetics, Inc.
Classification: Benign for Melanoma, cutaneous malignant, susceptibility to, 3. Last evaluated: 2024-09-27. Review status: criteria provided, single submitter. Criteria: Myriad Autosomal Dominant, Autosomal Recessive and X-Linked Classification Criteria (2023). Collection method: clinical testing. Allele origin: unknown.
Comment: This variant is considered benign. This variant is a silent/synonymous amino acid change and it is not expected to impact splicing.